The following is an entry in ClinVar:

NM_001022.4(RPS19):c.120del (p.Lys41fs)

Genes: RPS19 (ribosomal protein S19; plus strand), RPS19-CD79A (RPS19-CD79A readthrough; plus strand). Cytogenetic location: 19q13.2.
Variant type: Deletion.
Coding change: c.120del on transcript NM_001022.4 (MANE Select); coding-DNA position 120, one base deleted (C; older notation c.120delC).
Protein change: p.Lys41fs; shifts the reading frame from lysine 41.
Molecular consequence: frameshift variant.
Genome position (GRCh38, 1-based): chr19:41,861,160, C deleted; the last of 2 consecutive C bases (chr19:41,861,159-41,861,160); deleting either gives the same sequence. VCF-style (leftmost placement, unchanged base first): chr19-41861158-GC-G. GRCh37 (hg19) VCF-style: chr19-42365227-GC-G.
Other names: c.120del, p.Lys41fs (NM_001321485.2, NM_001321483.2, NM_001321484.2); short protein forms K41fs.
Identifiers: ClinVar variation 3775578 (VCV003775578.1).

ClinVar aggregate classification (germline): Likely pathogenic (1 of 4 stars; one submission).

Conditions:
Diamond-Blackfan anemia 1 (DBA1). Also called: RPS19-Related Diamond-Blackfan Anemia; BLACKFAN-DIAMOND SYNDROME; ANEMIA, CONGENITAL HYPOPLASTIC, OF BLACKFAN AND DIAMOND; ANEMIA, CONGENITAL ERYTHROID HYPOPLASTIC; RED CELL APLASIA, PURE, HEREDITARY; AREGENERATIVE ANEMIA, CHRONIC CONGENITAL. Identifiers: Orphanet 124, MedGen C2676137, MONDO:0007110, OMIM 105650.

Submission:

3billion
Classification: Likely pathogenic for Diamond-Blackfan anemia 1. Last evaluated: 2024-03-15. Review status: criteria provided, single submitter. Criteria: ACMG Guidelines, 2015. Collection method: clinical testing. Allele origin: germline. Affected: yes.
Comment: The variant is not observed in the gnomAD v2.1.1 dataset. Predicted Consequence/Location: Frameshift: predicted to result in a loss or disruption of normal protein function through nonsense-mediated decay (NMD) or protein truncation. Multiple pathogenic variants are reported downstream of the variant. Therefore, this variant is classified as Likely pathogenic according to the recommendation of ACMG/AMP guideline.